The following is an entry in ClinVar:

ClinVar aggregate classification (germline): Likely pathogenic (1 of 4 stars; one submission).

Conditions:
Hereditary insensitivity to pain with anhidrosis (CIPA). Also called: INSENSITIVITY TO PAIN, CONGENITAL, WITH ANHIDROSIS; hereditary sensory and autonomic neuropathy type 4; FAMILIAL DYSAUTONOMIA, TYPE II; NEUROPATHY, CONGENITAL SENSORY, WITH ANHIDROSIS; NTRK1 Congenital Insensitivity to Pain with Anhidrosis; HSAN Type IV. Identifiers: Orphanet 642, MedGen C0020074, MONDO:0009746, OMIM 256800.

Submission:

Natera, Inc.
Classification: Likely pathogenic for Hereditary insensitivity to pain with anhidrosis. Last evaluated: 2024-12-03. Review status: criteria provided, single submitter. Criteria: Natera Variant Classification Schema (03/2026). Collection method: clinical testing. Allele origin: germline.
Comment: The c.1182_1185del variant in NTRK1 is a frameshift variant predicted to shift the reading frame beginning at codon 395 and leads to a stop codon 68 codons downstream. This variant is expected to result in nonsense mediated decay, truncation, or a dysfunctional protein product. This variant is rare in the general population with a frequency below the threshold expected for the associated phenotype(s). Given the available evidence, this variant is classified as Likely Pathogenic.

NM_002529.4(NTRK1):c.1200_1203del (p.Asn401fs)

Gene: NTRK1 (neurotrophic receptor tyrosine kinase 1; plus strand). Cytogenetic location: 1q23.1.
Variant type: Deletion.
Coding change: c.1200_1203del on transcript NM_002529.4 (MANE Select); coding-DNA positions 1200 to 1203, 4 bases deleted (TAAC; older notation c.1200_1203delTAAC).
Protein change: p.Asn401fs; shifts the reading frame from asparagine 401.
Molecular consequence: frameshift variant.
Genome position (GRCh38, 1-based): chr1:156,874,575-156,874,578, TAAC deleted; deleting any 4 consecutive bases within chr1:156,874,573-156,874,578 gives the same sequence; the c. name uses the placement nearest the transcript's 3' end. VCF-style (leftmost placement, unchanged base first): chr1-156874572-CACTA-C. GRCh37 (hg19) VCF-style: chr1-156844364-CACTA-C.
Other names: c.1092_1095del, p.Asn365fs (NM_001007792.1); c.1182_1185delTAAC, p.Asn395Alafs (NM_001012331.1); c.1182_1185del, p.Asn395fs (NM_001012331.2); short protein forms N365fs, N395fs, N401fs.
Identifiers: ClinVar variation 4814503 (VCV004814503.1).